The following is an entry in ClinVar:

ClinVar aggregate classification (germline): Conflicting classifications of pathogenicity. Review status: criteria provided, conflicting classifications (1 of 4 stars). 3 submissions from 3 submitters: Likely pathogenic (1); Uncertain significance (1). 1 of the submissions does not count toward it. Last evaluated 2025-03-13.

Conditions:
Deficiency of butyryl-CoA dehydrogenase (ACADSD). Also called: SCADH DEFICIENCY; ACADS DEFICIENCY; Short-Chain Acyl-CoA Dehydrogenase Deficiency; SCAD DEFICIENCY, MILD; ACYL-CoA DEHYDROGENASE, SHORT-CHAIN, DEFICIENCY OF; SCAD Deficiency. Identifiers: Orphanet 26792, MedGen C0342783, MONDO:0008722, OMIM 201470. Disease mechanism: May be benign.

Allele frequency attached by ClinVar (database versions not stated): gnomAD 0.00001; TOPMed 0.00001; gnomAD exomes 0.00002.
gnomAD v4.1: 22 of 1,612,904 alleles (0.0014%); highest among the groups gnomAD compares: Non-Finnish European, 0.0018%; no homozygotes.

Submissions (3):

Labcorp Genetics (formerly Invitae), Labcorp
Classification: Likely pathogenic for Deficiency of butyryl-CoA dehydrogenase. Last evaluated: 2025-03-13. Review status: criteria provided, single submitter. Criteria: Invitae Variant Classification Sherloc (09022015). Collection method: clinical testing. Allele origin: germline.
Comment: This sequence change replaces arginine, which is basic and polar, with histidine, which is basic and polar, at codon 383 of the ACADS protein (p.Arg383His). This variant is not present in population databases (gnomAD no frequency). This missense change has been observed in individual(s) with clinical features of short-chain acyl-coenzyme A dehydrogenase deficiency (PMID: 27938594). ClinVar contains an entry for this variant (Variation ID: 555426). Invitae Evidence Modeling of protein sequence and biophysical properties (such as structural, functional, and spatial information, amino acid conservation, physicochemical variation, residue mobility, and thermodynamic stability) indicates that this missense variant is expected to disrupt ACADS protein function with a positive predictive value of 95%. This variant disrupts the p.Arg383 amino acid residue in ACADS. Other variant(s) that disrupt this residue have been determined to be pathogenic (PMID: 22241096, 30035407, 31813752; internal data). This suggests that this residue is clinically significant, and that variants that disrupt this residue are likely to be disease-causing. In summary, the currently available evidence indicates that the variant is pathogenic, but additional data are needed to prove that conclusively. Therefore, this variant has been classified as Likely Pathogenic.

Laboratorio de Genetica e Diagnostico Molecular, Hospital Israelita Albert Einstein
Classification: Uncertain significance. Last evaluated: 2019-10-28. Review status: criteria provided, single submitter. Criteria: ACMG Guidelines, 2015. Collection method: clinical testing. Allele origin: germline. Affected: yes.
Comment: ACMG classification criteria: PM2, PP3

Counsyl
Classification: Uncertain significance for Deficiency of butyryl-CoA dehydrogenase. Last evaluated: 2017-12-07. Review status: no assertion criteria provided. Collection method: clinical testing. Allele origin: unknown. Not counted in ClinVar's aggregate classification.

Literature cited by the submitters: PubMed 27938594 (cited by Labcorp Genetics (formerly Invitae), Labcorp and Counsyl); PubMed 22241096 (cited by Labcorp Genetics (formerly Invitae), Labcorp); PubMed 30035407 (cited by Labcorp Genetics (formerly Invitae), Labcorp); PubMed 31813752 (cited by Labcorp Genetics (formerly Invitae), Labcorp); PubMed 18836889 (cited by Counsyl).

NM_000017.4(ACADS):c.1148G>A (p.Arg383His)

Gene: ACADS (acyl-CoA dehydrogenase short chain; plus strand). Cytogenetic location: 12q24.31.
Variant type: single nucleotide variant.
Coding change: c.1148G>A on transcript NM_000017.4 (MANE Select); coding-DNA position 1148, G replaced by A.
Protein change: p.Arg383His; replaces arginine 383 with histidine.
Molecular consequence: missense variant.
Genome position (GRCh38, 1-based): chr12:120,739,357, G>A. VCF-style: chr12-120739357-G-A. GRCh37 (hg19) VCF-style: chr12-121177160-G-A.
Other names: c.1136G>A, p.Arg379His (NM_001302554.2); short protein forms R383H, R379H.
Identifiers: ClinVar variation 555426 (VCV000555426.5), dbSNP rs35233375, ClinGen allele CA244495485.